The following is an entry in ClinVar:

NM_138713.4(NFAT5):c.1439A>T (p.Glu480Val)

Gene: NFAT5 (nuclear factor of activated T cells 5; plus strand). Cytogenetic location: 16q22.1.
Variant type: single nucleotide variant.
Coding change: c.1439A>T on transcript NM_138713.4 (MANE Select); coding-DNA position 1439, A replaced by T.
Protein change: p.Glu480Val; replaces glutamic acid 480 with valine.
Molecular consequence: missense variant.
Genome position (GRCh38, 1-based): chr16:69,670,046, A>T. VCF-style: chr16-69670046-A-T. GRCh37 (hg19) VCF-style: chr16-69703949-A-T.
Other names: c.1439A>T, p.Glu480Val (NM_001113178.3); c.767A>T, p.Glu256Val (NM_001367709.1); c.1385A>T, p.Glu462Val (NM_006599.4); c.1157A>T, p.Glu386Val (NM_138714.4, NM_173214.3, NM_173215.3); short protein forms E480V, E256V, E386V, E462V.
Identifiers: ClinVar variation 2960284 (VCV002960284.3), dbSNP rs2036561989, ClinGen allele CA396496516.

ClinVar aggregate classification (germline): Uncertain significance (1 of 4 stars; one submission).

Conditions:
Immunodeficiency. Identifiers: MedGen C0021051, MONDO:0021094, HP:0002721.

Allele frequency attached by ClinVar (database versions not stated): gnomAD 0.00001.
gnomAD v4.1: 1 of 1,613,128 alleles (0.000062%); highest among the groups gnomAD compares: Admixed American, 0.0017%; no homozygotes.

Submission:

Labcorp Genetics (formerly Invitae), Labcorp
Classification: Uncertain significance for Immunodeficiency. Last evaluated: 2023-04-07. Review status: criteria provided, single submitter. Criteria: Invitae Variant Classification Sherloc (09022015). Collection method: clinical testing. Allele origin: germline.
Comment: This sequence change replaces glutamic acid, which is acidic and polar, with valine, which is neutral and non-polar, at codon 386 of the NFAT5 protein (p.Glu386Val). This variant is not present in population databases (gnomAD no frequency). This variant has not been reported in the literature in individuals affected with NFAT5-related conditions. An algorithm developed to predict the effect of missense changes on protein structure and function (PolyPhen-2) suggests that this variant is likely to be disruptive. In summary, the available evidence is currently insufficient to determine the role of this variant in disease. Therefore, it has been classified as a Variant of Uncertain Significance.